The following is an entry in ClinVar:

ClinVar aggregate classification (germline): Uncertain significance (1 of 4 stars; one submission).

Submission:

CeGaT Center for Human Genetics Tuebingen
Classification: Uncertain significance. Last evaluated: 2026-03-01. Review status: criteria provided, single submitter. Criteria: CeGaT Center For Human Genetics Tuebingen Variant Classification Criteria Version 2. Collection method: clinical testing. Allele origin: germline. Affected: yes. Observed: 1 variant allele.
Comment: ARFGEF1: PM2, BP4

NM_006421.5(ARFGEF1):c.757A>G (p.Thr253Ala)

Gene: ARFGEF1 (ARF guanine nucleotide exchange factor 1; minus strand). Cytogenetic location: 8q13.2.
Variant type: single nucleotide variant.
Coding change: c.757A>G on transcript NM_006421.5 (MANE Select); coding-DNA position 757, A replaced by G.
Protein change: p.Thr253Ala; replaces threonine 253 with alanine.
Molecular consequence: missense variant. On other transcripts: 5 prime UTR variant (1), non-coding transcript variant (1).
Genome position (GRCh38, 1-based): chr8:67,292,006, T>C on the plus strand (A>G on the coding strand, the complement: ARFGEF1 is on the minus strand). VCF-style: chr8-67292006-T-C. GRCh37 (hg19) VCF-style: chr8-68204241-T-C.
Other names: c.757A>G, p.Thr253Ala (NM_001413195.1, NM_001413185.1, NM_001413186.1 and 7 more transcripts); c.-359A>G (NM_001413196.1); c.157A>G, p.Thr53Ala (NM_001413197.1, NM_001413188.1, NM_001413193.1); short protein forms T253A, T53A.
Identifiers: ClinVar variation 4823634 (VCV004823634.4).